The following is an entry in ClinVar:

ClinVar aggregate classification (germline): Uncertain significance (1 of 4 stars; one submission).

Submission:

Labcorp Genetics (formerly Invitae), Labcorp
Classification: Uncertain significance. Last evaluated: 2022-06-24. Review status: criteria provided, single submitter. Criteria: Invitae Variant Classification Sherloc (09022015). Collection method: clinical testing. Allele origin: germline.
Comment: In summary, the available evidence is currently insufficient to determine the role of this variant in disease. Therefore, it has been classified as a Variant of Uncertain Significance. This variant is not present in population databases (gnomAD no frequency). This variant has not been reported in the literature in individuals affected with ASAH1-related conditions. Algorithms developed to predict the effect of missense changes on protein structure and function are either unavailable or do not agree on the potential impact of this missense change (SIFT: "Tolerated"; PolyPhen-2: "Possibly Damaging"; Align-GVGD: "Class C0"). This sequence change replaces threonine, which is neutral and polar, with isoleucine, which is neutral and non-polar, at codon 273 of the ASAH1 protein (p.Thr273Ile).

NM_177924.5(ASAH1):c.818C>T (p.Thr273Ile)

Gene: ASAH1 (N-acylsphingosine amidohydrolase 1; minus strand). Cytogenetic location: 8p22.
Variant type: single nucleotide variant.
Coding change: c.818C>T on transcript NM_177924.5 (MANE Select); coding-DNA position 818, C replaced by T.
Protein change: p.Thr273Ile; replaces threonine 273 with isoleucine.
Molecular consequence: missense variant.
Genome position (GRCh38, 1-based): chr8:18,059,671, G>A on the plus strand (C>T on the coding strand, the complement: ASAH1 is on the minus strand). VCF-style: chr8-18059671-G-A. GRCh37 (hg19) VCF-style: chr8-17917180-G-A.
Other names: c.800C>T, p.Thr267Ile (NM_001127505.3); c.623C>T, p.Thr208Ile (NM_001363743.2); c.866C>T, p.Thr289Ile (NM_004315.6); short protein forms T273I, T267I, T208I, T289I.
Identifiers: ClinVar variation 2010116 (VCV002010116.4), dbSNP rs1447494135, ClinGen allele CA370428276.